The following is an entry in ClinVar:

ClinVar aggregate classification (germline): Conflicting classifications of pathogenicity. Review status: criteria provided, conflicting classifications (1 of 4 stars). 4 submissions from 4 submitters: Uncertain significance (2); Likely benign (1). 1 of the submissions does not count toward it. Last evaluated 2026-01-22.

Conditions:
Inborn genetic diseases. Identifiers: MedGen C0950123, MeSH D030342.
CPAMD8-related disorder. Also called: CPAMD8-related condition.

Allele frequency attached by ClinVar (database versions not stated): gnomAD 0.00144; ExAC 0.00047; 1000 Genomes Project 0.00140; 1000 Genomes Project 30x 0.00141; ESP Exome Variant Server 0.00114; TOPMed 0.00156.
gnomAD v4.1: 379 of 1,542,108 alleles (0.025%); highest among the groups gnomAD compares: African/African-American, 0.49%; 1 homozygote.

Submissions (4):

GeneDx
Classification: Uncertain significance. Last evaluated: 2026-01-22. Review status: criteria provided, single submitter. Criteria: GeneDx Variant Classification Process June 2021. Collection method: clinical testing. Allele origin: germline.
Comment: Has not been previously published as pathogenic or benign to our knowledge; In silico analysis does not support a benign or deleterious effect of this variant on protein structure/function

Ambry Genetics
Classification: Uncertain significance for Inborn genetic diseases. Last evaluated: 2025-11-20. Review status: criteria provided, single submitter. Criteria: Ambry Variant Classification Scheme 2023. Collection method: clinical testing. Allele origin: germline.

Labcorp Genetics (formerly Invitae), Labcorp
Classification: Likely benign. Last evaluated: 2024-07-30. Review status: criteria provided, single submitter. Criteria: Invitae Variant Classification Sherloc (09022015). Collection method: clinical testing. Allele origin: germline.

PreventionGenetics, part of Exact Sciences
Classification: Likely benign for CPAMD8-related condition. Last evaluated: 2019-07-31. Review status: no assertion criteria provided. Collection method: clinical testing. Allele origin: germline. Not counted in ClinVar's aggregate classification.
Comment: This variant is classified as likely benign based on ACMG/AMP sequence variant interpretation guidelines (Richards et al. 2015 PMID: 25741868, with internal and published modifications).

NM_015692.5(CPAMD8):c.4489G>T (p.Val1497Leu)

Gene: CPAMD8 (C3 and PZP like alpha-2-macroglobulin domain containing 8; minus strand). Cytogenetic location: 19p13.11.
Variant type: single nucleotide variant.
Coding change: c.4489G>T on transcript NM_015692.5 (MANE Select); coding-DNA position 4489, G replaced by T.
Protein change: p.Val1497Leu; replaces valine 1497 with leucine.
Molecular consequence: missense variant.
Genome position (GRCh38, 1-based): chr19:16,902,845, C>A on the plus strand (G>T on the coding strand, the complement: CPAMD8 is on the minus strand). VCF-style: chr19-16902845-C-A. GRCh37 (hg19) VCF-style: chr19-17013655-C-A.
Other names: short protein forms V1497L.
Identifiers: ClinVar variation 3034866 (VCV003034866.7), dbSNP rs201613702, ClinGen allele CA9284571.